The following is an entry in ClinVar:

ClinVar aggregate classification (germline): Conflicting classifications of pathogenicity. Review status: criteria provided, conflicting classifications (1 of 4 stars). 2 submissions from 2 submitters: Uncertain significance (1); Likely benign (1). Last evaluated 2026-09-24.

Conditions:
Congenital contractural arachnodactyly (CCA). Also called: BEALS SYNDROME; Arthrogryposis, distal, type 9; Beals-Hecht syndrome. Identifiers: Orphanet 115, MedGen C0220668, MONDO:0007363, OMIM 121050.

Allele frequency attached by ClinVar (database versions not stated): ExAC 0.00002; gnomAD 0.00002; gnomAD exomes 0.00003 and 0.00001; TOPMed 0.00001.
gnomAD v4.1: 39 of 1,612,784 alleles (0.0024%); highest among the groups gnomAD compares: Non-Finnish European, 0.0033%; no homozygotes.

Submissions (2):

GeneDx
Classification: Uncertain significance. Last evaluated: 2026-09-24. Review status: criteria provided, single submitter. Criteria: GeneDx Variant Classification Process June 2021. Collection method: clinical testing. Allele origin: germline.
Comment: Has not been previously published as pathogenic or benign to our knowledge; Not observed at significant frequency in large population cohorts (gnomAD); Although located in a calcium-binding EGF-like domain of the FBN2 gene, it does not substitute or introduce a cysteine residue (PMID: 19006240, 18767143); In silico analysis supports that this missense variant has a deleterious effect on protein structure/function; This variant is associated with the following publications: (PMID: 19006240, 18767143)

Labcorp Genetics (formerly Invitae), Labcorp
Classification: Likely benign for Congenital contractural arachnodactyly. Last evaluated: 2025-10-18. Review status: criteria provided, single submitter. Criteria: Invitae Variant Classification Sherloc (09022015). Collection method: clinical testing. Allele origin: germline.

NM_001999.4(FBN2):c.404G>A (p.Gly135Glu)

Gene: FBN2 (fibrillin 2; minus strand). Cytogenetic location: 5q23.3.
Variant type: single nucleotide variant.
Coding change: c.404G>A on transcript NM_001999.4 (MANE Select); coding-DNA position 404, G replaced by A.
Protein change: p.Gly135Glu; replaces glycine 135 with glutamic acid.
Molecular consequence: missense variant.
Genome position (GRCh38, 1-based): chr5:128,530,627, C>T on the plus strand (G>A on the coding strand, the complement: FBN2 is on the minus strand). VCF-style: chr5-128530627-C-T. GRCh37 (hg19) VCF-style: chr5-127866320-C-T.
Other names: short protein forms G135E.
Identifiers: ClinVar variation 239084 (VCV000239084.8), dbSNP rs778566871, ClinGen allele CA3396126.
Genomic context (GRCh38, chr5:128,530,627, plus strand): 5'-GTGAAAAGGCCACAAGTAAGAAACATACTTGATTTTGATCCACAGGTTGATGATATTTGC[C>T]CACTGGAACAAGTACACATGTTAGGACGGGAACAAAATCCATCTCCACAACTATTTCTAC-3'
Protein context (NP_001990.2, residues 125-145): SRPNMCTCSS[Gly135Glu]QISSTCGSKS